The following is an entry in ClinVar:

NM_007194.4(CHEK2):c.665del (p.Met222fs)

Gene: CHEK2 (checkpoint kinase 2; minus strand). Cytogenetic location: 22q12.1.
Variant type: Deletion.
Coding change: c.665del on transcript NM_007194.4 (MANE Select); coding-DNA position 665, one base deleted (T; older notation c.665delT).
Protein change: p.Met222fs; shifts the reading frame from methionine 222.
Molecular consequence: frameshift variant. On other transcripts: initiator codon variant (2), intron variant (1).
Genome position (GRCh38, 1-based): chr22:28,719,413, A deleted on the plus strand (T on the coding strand, the reverse complement: CHEK2 is on the minus strand). VCF-style (leftmost placement, unchanged base first): chr22-28719412-CA-C. GRCh37 (hg19) VCF-style: chr22-29115400-CA-C.
Other names: c.794del, p.Met265fs (NM_001005735.3, NM_001438294.1); c.2del, p.Met1fs (NM_001257387.3, NM_001437942.1); c.758del, p.Met253fs (NM_001438293.1, NM_001438295.1); c.665del, p.Met222fs (NM_145862.3); c.482+5473del (NM_001349956.3); short protein forms M265fs, M1fs, M222fs, M253fs.
Identifiers: ClinVar variation 4002254 (VCV004002254.1).
Genomic context (GRCh38, chr22:28,719,412, plus strand): 5'-ATAGTGAAAAAATTAAGTGCATTTATATAAGAAAATAATTTACCTTCCAAGAGTTTTTGA[CA>C]TGATGTATTCATCTCTTAATGCCTTAGGATAAACTGACTGATCATCTACAGTCAGATCAA-3'

ClinVar aggregate classification (germline): Pathogenic (1 of 4 stars; one submission).

Conditions:
Hereditary cancer-predisposing syndrome. Also called: Tumor predisposition; Hereditary neoplastic syndrome; Neoplastic Syndromes, Hereditary; Hereditary Cancer Syndrome. Identifiers: Orphanet 140162, MedGen C0027672, MeSH D009386, MONDO:0015356.

Submission:

Ambry Genetics
Classification: Pathogenic for Hereditary cancer-predisposing syndrome. Last evaluated: 2025-05-01. Review status: criteria provided, single submitter. Criteria: Ambry Variant Classification Scheme 2023. Collection method: clinical testing. Allele origin: germline.
Comment: The c.665delT pathogenic mutation, located in coding exon 4 of the CHEK2 gene, results from a deletion of one nucleotide at nucleotide position 665, causing a translational frameshift with a predicted alternate stop codon (p.M222Sfs*13). This variant is considered to be rare based on population cohorts in the Genome Aggregation Database (gnomAD). In addition, this alteration is expected to result in loss of function by premature protein truncation or nonsense-mediated mRNA decay. As such, this alteration is interpreted as a disease-causing mutation.